The following is an entry in ClinVar:

ClinVar aggregate classification (germline): Uncertain significance (1 of 4 stars; one submission).

Conditions:
Cardiovascular phenotype. Identifiers: MedGen CN230736.

gnomAD v4.1: 1 of 1,614,134 alleles (0.000062%); highest among the groups gnomAD compares: Non-Finnish European, 0.000085%; no homozygotes.

Submission:

Ambry Genetics
Classification: Uncertain significance for Cardiovascular phenotype. Last evaluated: 2025-03-03. Review status: criteria provided, single submitter. Criteria: Ambry Variant Classification Scheme 2023. Collection method: clinical testing. Allele origin: germline.
Comment: The p.Q2999E variant (also known as c.8995C>G), located in coding exon 38 of the ANK2 gene, results from a C to G substitution at nucleotide position 8995. The glutamine at codon 2999 is replaced by glutamic acid, an amino acid with highly similar properties. This amino acid position is conserved. In addition, the in silico prediction for this alteration is inconclusive. Based on the available evidence, the clinical significance of this variant remains unclear.

NM_001148.6(ANK2):c.8995C>G (p.Gln2999Glu)

Gene: ANK2 (ankyrin 2; plus strand). Cytogenetic location: 4q26.
Variant type: single nucleotide variant.
Coding change: c.8995C>G on transcript NM_001148.6 (MANE Select); coding-DNA position 8995, C replaced by G.
Protein change: p.Gln2999Glu; replaces glutamine 2999 with glutamic acid.
Molecular consequence: missense variant. On other transcripts: intron variant (68).
Genome position (GRCh38, 1-based): chr4:113,357,613, C>G. VCF-style: chr4-113357613-C-G. GRCh37 (hg19) VCF-style: chr4-114278769-C-G.
Other names: c.4265-3210C>G (NM_001354262.2, NM_001354275.2, NM_001354245.2); c.4202-3210C>G (NM_001354253.2, NM_001354270.2); c.4166-3210C>G (NM_001354257.2, NM_001386156.1); c.4241-3210C>G (NM_001354249.2, NM_001354266.2, NM_001354276.2 and 2 more transcripts); c.4208-3210C>G (NM_001386146.1, NM_001386150.1, NM_001386149.1 and 1 more transcripts); c.4193-3210C>G (NM_001354274.2, NM_001386154.1); c.4142-3210C>G (NM_001386151.1, NM_001354260.2, NM_001354271.2); c.4043-3210C>G (NM_001386157.1, NM_001354277.2); and 35 more; short protein forms Q2921E, Q3038E, Q1799E, Q2999E, Q3046E.
Identifiers: ClinVar variation 3540948 (VCV003540948.2).